The following is an entry in ClinVar:

NM_000836.4(GRIN2D):c.3584T>C (p.Leu1195Pro)

Gene: GRIN2D (glutamate ionotropic receptor NMDA type subunit 2D; plus strand). Cytogenetic location: 19q13.33.
Variant type: single nucleotide variant.
Coding change: c.3584T>C on transcript NM_000836.4 (MANE Select); coding-DNA position 3584, T replaced by C.
Protein change: p.Leu1195Pro; replaces leucine 1195 with proline.
Molecular consequence: missense variant.
Genome position (GRCh38, 1-based): chr19:48,443,510, T>C. VCF-style: chr19-48443510-T-C. GRCh37 (hg19) VCF-style: chr19-48946767-T-C.
Other names: c.3584T>C (NM_000836.2); short protein forms L1195P.
Identifiers: ClinVar variation 2071488 (VCV002071488.5), dbSNP rs1024728323, ClinGen allele CA309299418.
Genomic context (GRCh38, chr19:48,443,510, plus strand): 5'-CGGCCGCCTGGCACTGTCGGCACTGCGCCAGCCTGGAGCTGCTGCCGCCGCCGCGCCATC[T>C]CAGCTGCTCGCACGATGGCCTGGACGGCGGCTGGTGGGCGCCACCGCCTCCACCCTGGGC-3'
Protein context (NP_000827.2, residues 1185-1205): SLELLPPPRH[Leu1195Pro]SCSHDGLDGG

ClinVar aggregate classification (germline): Uncertain significance. Review status: criteria provided, multiple submitters, no conflicts (2 of 4 stars). 2 submissions from 2 submitters: Uncertain significance (2). Last evaluated 2025-05-04.

Conditions:
Inborn genetic diseases. Identifiers: MedGen C0950123, MeSH D030342.

Allele frequency attached by ClinVar (database versions not stated): gnomAD exomes 0.00002; gnomAD 0.00003; TOPMed 0.00003.
gnomAD v4.1: 29 of 1,348,088 alleles (0.0022%); highest among the groups gnomAD compares: Admixed American, 0.0034%; no homozygotes.

Submissions (2):

Ambry Genetics
Classification: Uncertain significance for Inborn genetic diseases. Last evaluated: 2025-05-04. Review status: criteria provided, single submitter. Criteria: Ambry Variant Classification Scheme 2023. Collection method: clinical testing. Allele origin: germline.

Labcorp Genetics (formerly Invitae), Labcorp
Classification: Uncertain significance. Last evaluated: 2025-04-17. Review status: criteria provided, single submitter. Criteria: Invitae Variant Classification Sherloc (09022015). Collection method: clinical testing. Allele origin: germline.
Comment: This sequence change replaces leucine, which is neutral and non-polar, with proline, which is neutral and non-polar, at codon 1195 of the GRIN2D protein (p.Leu1195Pro). The frequency data for this variant in the population databases is considered unreliable, as metrics indicate poor data quality at this position in the gnomAD database. This variant has not been reported in the literature in individuals affected with GRIN2D-related conditions. ClinVar contains an entry for this variant (Variation ID: 2071488). Invitae Evidence Modeling of protein sequence and biophysical properties (such as structural, functional, and spatial information, amino acid conservation, physicochemical variation, residue mobility, and thermodynamic stability) indicates that this missense variant is not expected to disrupt GRIN2D protein function with a negative predictive value of 95%. In summary, the available evidence is currently insufficient to determine the role of this variant in disease. Therefore, it has been classified as a Variant of Uncertain Significance.